The following is an entry in ClinVar:

ClinVar aggregate classification (germline): Pathogenic (1 of 4 stars; one submission).

Conditions:
Primary ciliary dyskinesia. Also called: Ciliary dyskinesia. Identifiers: Orphanet 244, MedGen C0008780, MONDO:0016575, HP:0012265.

Submission:

Ambry Genetics
Classification: Pathogenic for Primary ciliary dyskinesia. Last evaluated: 2019-12-19. Review status: criteria provided, single submitter. Criteria: Ambry Variant Classification Scheme 2023. Collection method: clinical testing. Allele origin: germline.
Comment: The c.9243delT pathogenic mutation, located in coding exon 56 of the DNAH11 gene, results from a deletion of one nucleotide at nucleotide position 9243, causing a translational frameshift with a predicted alternate stop codon (p.F3081Lfs*5). This alteration is expected to result in loss of function by premature protein truncation or nonsense-mediated mRNA decay. As such, this alteration is interpreted as a disease-causing mutation.

NM_001277115.2(DNAH11):c.9243del (p.Phe3081fs)

Gene: DNAH11 (dynein axonemal heavy chain 11; plus strand). Cytogenetic location: 7p15.3.
Variant type: Deletion.
Coding change: c.9243del on transcript NM_001277115.2 (MANE Select); coding-DNA position 9243, one base deleted (T; older notation c.9243delT).
Protein change: p.Phe3081fs; shifts the reading frame from phenylalanine 3081.
Molecular consequence: frameshift variant.
Genome position (GRCh38, 1-based): chr7:21,773,906, T deleted; the last of 3 consecutive T bases (chr7:21,773,904-21,773,906); deleting any one gives the same sequence. VCF-style (leftmost placement, unchanged base first): chr7-21773903-GT-G. GRCh37 (hg19) VCF-style: chr7-21813521-GT-G.
Other names: c.9264delT, p.Phe3088Leufs (NM_003777.3); short protein forms F3081fs.
Identifiers: ClinVar variation 1766305 (VCV001766305.2), dbSNP rs2535218168, ClinGen allele CA2580076927.